The following is an entry in ClinVar:

NM_152327.5(AK7):c.548C>T (p.Ser183Phe)

Gene: AK7 (adenylate kinase 7; plus strand). Cytogenetic location: 14q32.2.
Variant type: single nucleotide variant.
Coding change: c.548C>T on transcript NM_152327.5 (MANE Select); coding-DNA position 548, C replaced by T.
Protein change: p.Ser183Phe; replaces serine 183 with phenylalanine.
Molecular consequence: missense variant.
Genome position (GRCh38, 1-based): chr14:96,420,871, C>T. VCF-style: chr14-96420871-C-T. GRCh37 (hg19) VCF-style: chr14-96887208-C-T.
Other names: c.548C>T, p.Ser183Phe (NM_001350888.2, NM_001350890.2, NM_001350891.2 and 1 more transcripts); short protein forms S183F.
Identifiers: ClinVar variation 3010326 (VCV003010326.3), dbSNP rs2504397143, ClinGen allele CA390919810.

ClinVar aggregate classification (germline): Uncertain significance (1 of 4 stars; one submission).

Submission:

Labcorp Genetics (formerly Invitae), Labcorp
Classification: Uncertain significance. Last evaluated: 2024-04-22. Review status: criteria provided, single submitter. Criteria: Invitae Variant Classification Sherloc (09022015). Collection method: clinical testing. Allele origin: germline.
Comment: This sequence change replaces serine, which is neutral and polar, with phenylalanine, which is neutral and non-polar, at codon 183 of the AK7 protein (p.Ser183Phe). This variant is not present in population databases (gnomAD no frequency). This variant has not been reported in the literature in individuals affected with AK7-related conditions. Advanced modeling of protein sequence and biophysical properties (such as structural, functional, and spatial information, amino acid conservation, physicochemical variation, residue mobility, and thermodynamic stability) has been performed at Invitae for this missense variant, however the output from this modeling did not meet the statistical confidence thresholds required to predict the impact of this variant on AK7 protein function. In summary, the available evidence is currently insufficient to determine the role of this variant in disease. Therefore, it has been classified as a Variant of Uncertain Significance.